The following is an entry in ClinVar:

ClinVar aggregate classification (germline): Uncertain significance (1 of 4 stars; one submission).

Submission:

Quest Diagnostics Nichols Institute San Juan Capistrano
Classification: Uncertain significance. Last evaluated: 2024-11-13. Review status: criteria provided, single submitter. Criteria: Quest Diagnostics criteria. Collection method: clinical testing. Allele origin: unknown.
Comment: The HOXB13 c.107A>T (p.His36Leu) variant has not been reported in individuals with HOXB13-related conditions in the published literature. It also has not been reported in large, multi-ethnic general populations (Genome Aggregation Database). Analysis of this variant using bioinformatics tools for the prediction of the effect of amino acid changes on protein structure and function yielded predictions that this variant is benign. Based on the available information, we are unable to determine the clinical significance of this variant.

NM_006361.6(HOXB13):c.107A>T (p.His36Leu)

Gene: HOXB13 (homeobox B13; minus strand). Cytogenetic location: 17q21.32.
Variant type: single nucleotide variant.
Coding change: c.107A>T on transcript NM_006361.6 (MANE Select); coding-DNA position 107, A replaced by T.
Protein change: p.His36Leu; replaces histidine 36 with leucine.
Molecular consequence: missense variant.
Genome position (GRCh38, 1-based): chr17:48,728,487, T>A on the plus strand (A>T on the coding strand, the complement: HOXB13 is on the minus strand). VCF-style: chr17-48728487-T-A. GRCh37 (hg19) VCF-style: chr17-46805849-T-A.
Other names: short protein forms H36L.
Identifiers: ClinVar variation 3572262 (VCV003572262.1).